The following is an entry in ClinVar:

NM_006904.7(PRKDC):c.719A>G (p.Glu240Gly)

Gene: PRKDC (protein kinase, DNA-activated, catalytic subunit; minus strand). Cytogenetic location: 8q11.21.
Variant type: single nucleotide variant.
Coding change: c.719A>G on transcript NM_006904.7 (MANE Select); coding-DNA position 719, A replaced by G.
Protein change: p.Glu240Gly; replaces glutamic acid 240 with glycine.
Molecular consequence: missense variant.
Genome position (GRCh38, 1-based): chr8:47,953,622, T>C on the plus strand (A>G on the coding strand, the complement: PRKDC is on the minus strand). VCF-style: chr8-47953622-T-C. GRCh37 (hg19) VCF-style: chr8-48866182-T-C.
Other names: c.719A>G, p.Glu240Gly (NM_001081640.2); short protein forms E240G.
Identifiers: ClinVar variation 2449908 (VCV002449908.2), dbSNP rs2551881724, ClinGen allele CA371138088.

ClinVar aggregate classification (germline): Uncertain significance (1 of 4 stars; one submission).

Submission:

Ambry Genetics
Classification: Uncertain significance. Last evaluated: 2023-03-09. Review status: criteria provided, single submitter. Criteria: Ambry Variant Classification Scheme 2023. Collection method: clinical testing. Allele origin: germline.
Comment: The p.E240G variant (also known as c.719A>G), located in coding exon 7 of the PRKDC gene, results from an A to G substitution at nucleotide position 719. The glutamic acid at codon 240 is replaced by glycine, an amino acid with similar properties. This amino acid position is conserved. In addition, the in silico prediction for this alteration is inconclusive. Since supporting evidence is limited at this time, the clinical significance of this alteration remains unclear.